The following is an entry in ClinVar:

ClinVar aggregate classification (germline): Uncertain significance (0 of 4 stars; one submission).

Conditions:
TCOF1-related disorder. Also called: TCOF1-related condition.

Allele frequency attached by ClinVar (database versions not stated): gnomAD 0.00001; gnomAD exomes 0.00001; TOPMed 0.00001.
gnomAD v4.1: 21 of 1,579,378 alleles (0.0013%); highest among the groups gnomAD compares: South Asian, 0.0023%; no homozygotes.

Submission:

PreventionGenetics, part of Exact Sciences
Classification: Uncertain significance for TCOF1-related condition. Last evaluated: 2023-11-01. Review status: no assertion criteria provided. Collection method: clinical testing. Allele origin: germline.
Comment: The TCOF1 c.2312G>A variant is predicted to result in the amino acid substitution p.Ser771Asn. To our knowledge, this variant has not been reported in the literature. This variant is reported in 0.0039% of alleles in individuals of South Asian descent in gnomAD. At this time, the clinical significance of this variant is uncertain due to the absence of conclusive functional and genetic evidence.

NM_001371623.1(TCOF1):c.2312G>A (p.Ser771Asn)

Gene: TCOF1 (treacle ribosome biogenesis factor 1; plus strand). Cytogenetic location: 5q32.
Variant type: single nucleotide variant.
Coding change: c.2312G>A on transcript NM_001371623.1 (MANE Select); coding-DNA position 2312, G replaced by A.
Protein change: p.Ser771Asn; replaces serine 771 with asparagine.
Molecular consequence: missense variant.
Genome position (GRCh38, 1-based): chr5:150,376,592, G>A. VCF-style: chr5-150376592-G-A. GRCh37 (hg19) VCF-style: chr5-149756155-G-A.
Other names: c.2081G>A, p.Ser694Asn (NM_000356.4, NM_001135245.2); c.2312G>A, p.Ser771Asn (NM_001008657.3, NM_001135243.2, NM_001135244.2 and 1 more transcripts); short protein forms S694N, S771N.
Identifiers: ClinVar variation 3040396 (VCV003040396.2), dbSNP rs1269935196, ClinGen allele CA361755681.